The following is an entry in ClinVar:

ClinVar aggregate classification (germline): Uncertain significance (1 of 4 stars; one submission).

Submission:

Labcorp Genetics (formerly Invitae), Labcorp
Classification: Uncertain significance. Last evaluated: 2023-12-18. Review status: criteria provided, single submitter. Criteria: Invitae Variant Classification Sherloc (09022015). Collection method: clinical testing. Allele origin: germline.
Comment: This sequence change replaces valine, which is neutral and non-polar, with isoleucine, which is neutral and non-polar, at codon 482 of the NALCN protein (p.Val482Ile). This variant is not present in population databases (gnomAD no frequency). This variant has not been reported in the literature in individuals affected with NALCN-related conditions. Advanced modeling of protein sequence and biophysical properties (such as structural, functional, and spatial information, amino acid conservation, physicochemical variation, residue mobility, and thermodynamic stability) performed at Invitae indicates that this missense variant is not expected to disrupt NALCN protein function with a negative predictive value of 80%. In summary, the available evidence is currently insufficient to determine the role of this variant in disease. Therefore, it has been classified as a Variant of Uncertain Significance.

NM_052867.4(NALCN):c.1444G>A (p.Val482Ile)

Gene: NALCN (sodium leak channel, non-selective; minus strand). Cytogenetic location: 13q33.1.
Variant type: single nucleotide variant.
Coding change: c.1444G>A on transcript NM_052867.4 (MANE Select); coding-DNA position 1444, G replaced by A.
Protein change: p.Val482Ile; replaces valine 482 with isoleucine.
Molecular consequence: missense variant.
Genome position (GRCh38, 1-based): chr13:101,229,575, C>T on the plus strand (G>A on the coding strand, the complement: NALCN is on the minus strand). VCF-style: chr13-101229575-C-T. GRCh37 (hg19) VCF-style: chr13-101881926-C-T.
Other names: c.1444G>A, p.Val482Ile (NM_001350748.2, NM_001350749.2); c.1357G>A, p.Val453Ile (NM_001350750.2, NM_001350751.2); short protein forms V453I, V482I.
Identifiers: ClinVar variation 2719911 (VCV002719911.3), dbSNP rs2502985234, ClinGen allele CA388704590.
Genomic context (GRCh38, chr13:101,229,575, plus strand): 5'-GACCAAATATCTTGTACACAAAGTCTTCTAATGCAGGTGAAATCTTAATCAGCCGAACTA[C>T]TCGGAGAACCTATCAAGGGAGAGAGAAACATTTATTTACACATATGATCATTTATTTACA-3'
Protein context (NP_443099.1, residues 472-492): SQFTYFQVLR[Val482Ile]VRLIKISPAL